The following is an entry in ClinVar:

NM_001378457.1(DMXL2):c.3497A>C (p.Lys1166Thr)

Gene: DMXL2 (Dmx like 2; minus strand). Cytogenetic location: 15q21.2.
Variant type: single nucleotide variant.
Coding change: c.3497A>C on transcript NM_001378457.1 (MANE Select); coding-DNA position 3497, A replaced by C.
Protein change: p.Lys1166Thr; replaces lysine 1166 with threonine.
Molecular consequence: missense variant. On other transcripts: non-coding transcript variant (2), intron variant (2).
Genome position (GRCh38, 1-based): chr15:51,499,727, T>G on the plus strand (A>C on the coding strand, the complement: DMXL2 is on the minus strand). VCF-style: chr15-51499727-T-G. GRCh37 (hg19) VCF-style: chr15-51791924-T-G.
Other names: c.3497A>C, p.Lys1166Thr (NM_001174116.3, NM_001378458.1, NM_001378459.1 and 4 more transcripts); c.3257A>C, p.Lys1086Thr (NM_001378464.1); c.2764+7407A>C (NM_001378460.1); c.2765-4593A>C (NM_001174117.3); short protein forms K1166T, K1086T.
Identifiers: ClinVar variation 1514378 (VCV001514378.6), dbSNP rs781292284, ClinGen allele CA392435682.

ClinVar aggregate classification (germline): Uncertain significance (1 of 4 stars; one submission).

gnomAD v4.1: 1 of 1,614,140 alleles (0.000062%); highest among the groups gnomAD compares: Admixed American, 0.0017%; no homozygotes.

Submission:

Labcorp Genetics (formerly Invitae), Labcorp
Classification: Uncertain significance. Last evaluated: 2024-02-23. Review status: criteria provided, single submitter. Criteria: Invitae Variant Classification Sherloc (09022015). Collection method: clinical testing. Allele origin: germline.
Comment: This sequence change replaces lysine, which is basic and polar, with threonine, which is neutral and polar, at codon 1166 of the DMXL2 protein (p.Lys1166Thr). This variant is present in population databases (no rsID available, gnomAD 0.003%). This variant has not been reported in the literature in individuals affected with DMXL2-related conditions. ClinVar contains an entry for this variant (Variation ID: 1514378). An algorithm developed to predict the effect of missense changes on protein structure and function (PolyPhen-2) suggests that this variant is likely to be disruptive. In summary, the available evidence is currently insufficient to determine the role of this variant in disease. Therefore, it has been classified as a Variant of Uncertain Significance.